The following is an entry in ClinVar:

ClinVar aggregate classification (germline): Uncertain significance. Review status: criteria provided, multiple submitters, no conflicts (2 of 4 stars). 3 submissions from 3 submitters: Uncertain significance (3). Last evaluated 2025-07-13.

Conditions:
BAP1-related tumor predisposition syndrome (TPDS1). Also called: Tumor susceptibility linked to germline BAP1 mutations; BAP1 tumor predisposition syndrome; TUMOR PREDISPOSITION SYNDROME 1; COMMON Syndrome. Identifiers: Orphanet 289539, MedGen C3280492, MONDO:0013692, OMIM 614327.
Hereditary cancer-predisposing syndrome. Also called: Tumor predisposition; Hereditary Cancer Syndrome; Hereditary neoplastic syndrome; Neoplastic Syndromes, Hereditary. Identifiers: Orphanet 140162, MedGen C0027672, MeSH D009386, MONDO:0015356.

Submissions (3):

Labcorp Genetics (formerly Invitae), Labcorp
Classification: Uncertain significance for BAP1-related tumor predisposition syndrome. Last evaluated: 2025-07-13. Review status: criteria provided, single submitter. Criteria: Invitae Variant Classification Sherloc (09022015). Collection method: clinical testing. Allele origin: germline.
Comment: This sequence change replaces valine, which is neutral and non-polar, with methionine, which is neutral and non-polar, at codon 569 of the BAP1 protein (p.Val569Met). This variant is not present in population databases (gnomAD no frequency). This variant has not been reported in the literature in individuals affected with BAP1-related conditions. ClinVar contains an entry for this variant (Variation ID: 1441710). Invitae Evidence Modeling of protein sequence and biophysical properties (such as structural, functional, and spatial information, amino acid conservation, physicochemical variation, residue mobility, and thermodynamic stability) indicates that this missense variant is not expected to disrupt BAP1 protein function with a negative predictive value of 80%. In summary, the available evidence is currently insufficient to determine the role of this variant in disease. Therefore, it has been classified as a Variant of Uncertain Significance.

Revvity Omics, Revvity
Classification: Uncertain significance. Last evaluated: 2023-02-13. Review status: criteria provided, single submitter. Criteria: ACMG Guidelines, 2015. Collection method: clinical testing. Allele origin: germline.

Ambry Genetics
Classification: Uncertain significance for Hereditary cancer-predisposing syndrome. Last evaluated: 2021-07-20. Review status: criteria provided, single submitter. Criteria: Ambry Variant Classification Scheme 2023. Collection method: clinical testing. Allele origin: germline.
Comment: The p.V569M variant (also known as c.1705G>A), located in coding exon 13 of the BAP1 gene, results from a G to A substitution at nucleotide position 1705. The valine at codon 569 is replaced by methionine, an amino acid with highly similar properties. This amino acid position is well conserved in available vertebrate species. In addition, this alteration is predicted to be tolerated by in silico analysis. Since supporting evidence is limited at this time, the clinical significance of this alteration remains unclear.

NM_004656.4(BAP1):c.1705G>A (p.Val569Met)

Gene: BAP1 (BRCA1 associated deubiquitinase 1; minus strand). Cytogenetic location: 3p21.1.
Variant type: single nucleotide variant.
Coding change: c.1705G>A on transcript NM_004656.4 (MANE Select); coding-DNA position 1705, G replaced by A.
Protein change: p.Val569Met; replaces valine 569 with methionine.
Molecular consequence: missense variant.
Genome position (GRCh38, 1-based): chr3:52,403,440, C>T on the plus strand (G>A on the coding strand, the complement: BAP1 is on the minus strand). VCF-style: chr3-52403440-C-T. GRCh37 (hg19) VCF-style: chr3-52437456-C-T.
Other names: short protein forms V569M.
Identifiers: ClinVar variation 1441710 (VCV001441710.10), dbSNP rs2153226580, ClinGen allele CA353099689.